The following is an entry in ClinVar:

ClinVar aggregate classification (germline): Benign/Likely benign. Review status: criteria provided, multiple submitters, no conflicts (2 of 4 stars). 12 submissions from 12 submitters: Benign (10); Likely benign (1). 1 of the submissions does not count toward it. Last evaluated 2026-02-04.

Conditions:
Inborn genetic diseases. Identifiers: MedGen C0950123, MeSH D030342.
Cohen syndrome (COH1). Also called: Cutis verticis gyrata, retinitis pigmentosa, and sensorineural deafness; PEPPER SYNDROME. Identifiers: Orphanet 193, MedGen C0265223, MONDO:0008999, OMIM 216550.

Allele frequency attached by ClinVar (database versions not stated): 1000 Genomes Project 0.00819; 1000 Genomes Project 30x 0.00890; gnomAD 0.01526; ESP Exome Variant Server 0.01745; TOPMed 0.01768.
gnomAD v4.1: 35,422 of 1,614,024 alleles (2.2%); highest among the groups gnomAD compares: Middle Eastern, 3%; 430 homozygotes.

Submissions (24):

Labcorp Genetics (formerly Invitae), Labcorp
Classification: Benign for Cohen syndrome. Last evaluated: 2026-02-04. Review status: criteria provided, single submitter. Criteria: Invitae Variant Classification Sherloc (09022015). Collection method: clinical testing. Allele origin: germline.

Blueprint Genetics
Classification: Likely benign. Last evaluated: 2024-11-27. Review status: criteria provided, single submitter. Criteria: ACMG Guidelines, 2015. Collection method: clinical testing. Allele origin: germline.

Women's Health and Genetics/Laboratory Corporation of America, LabCorp
Classification: Benign. Last evaluated: 2022-11-10. Review status: criteria provided, single submitter. Criteria: LabCorp Variant Classification Summary - May 2015. Collection method: clinical testing. Allele origin: germline.

Mayo Clinic Laboratories, Mayo Clinic
Classification: Benign. Last evaluated: 2018-10-16. Review status: criteria provided, single submitter. Criteria: ACMG Guidelines, 2015. Collection method: clinical testing. Allele origin: germline. Observed: 47 variant alleles.

Illumina Laboratory Services, Illumina
Classification: Benign for Cohen syndrome. Last evaluated: 2018-01-12. Review status: criteria provided, single submitter. Criteria: ICSL Variant Classification Criteria 13 December 2019. Collection method: clinical testing. Allele origin: germline.
Comment: This variant was observed in the ICSL laboratory as part of a predisposition screen in an ostensibly healthy population. It had not been previously curated by ICSL or reported in the Human Gene Mutation Database (HGMD: prior to June 1st, 2018), and was therefore a candidate for classification through an automated scoring system. Utilizing variant allele frequency, disease prevalence and penetrance estimates, and inheritance mode, an automated score was calculated to assess if this variant is too frequent to cause the disease. Based on the score and internal cut-off values, a variant classified as benign is not then subjected to further curation. The score for this variant resulted in a classification of benign for this disease.

Athena Diagnostics
Classification: Benign. Last evaluated: 2017-09-19. Review status: criteria provided, single submitter. Criteria: Athena Diagnostics Criteria. Collection method: clinical testing. Allele origin: germline.

Clinical Genetics DNA and cytogenetics Diagnostics Lab, Erasmus MC, Erasmus Medical Center
Classification: Benign for Cohen syndrome. Last evaluated: 2017-06-28. Review status: criteria provided, single submitter. Criteria: ACGS Guidelines, 2013. Collection method: clinical testing. Allele origin: germline. Affected: yes. Study: VKGL Data-share Consensus.

Ambry Genetics
Classification: Benign for Inborn genetic diseases. Last evaluated: 2016-07-14. Review status: criteria provided, single submitter. Criteria: Ambry Variant Classification Scheme 2023. Collection method: clinical testing. Allele origin: germline.

GeneDx
Classification: Benign. Last evaluated: 2015-03-03. Review status: criteria provided, single submitter. Criteria: GeneDx Variant Classification Process June 2021. Collection method: clinical testing. Allele origin: germline. Affected: yes.

Genome Diagnostics Laboratory, University Medical Center Utrecht
Classification: Benign for Cohen syndrome. Last evaluated: 2014-10-10. Review status: criteria provided, single submitter. Criteria: ACGS Guidelines, 2013. Collection method: clinical testing. Allele origin: germline. Affected: yes. Study: VKGL Data-share Consensus.

Breakthrough Genomics
Classification: Benign. Review status: criteria provided, single submitter. Criteria: ACMG Guidelines, 2015. Collection method: not provided. Allele origin: germline. Inheritance: Autosomal recessive inheritance. Affected: yes.

Natera, Inc.
Classification: Benign for Cohen syndrome. Last evaluated: 2020-09-16. Review status: no assertion criteria provided. Collection method: clinical testing. Allele origin: germline. Not counted in ClinVar's aggregate classification.

Dr. Peter K. Rogan Lab, Western University
No classification provided (evidence only). Condition: Acute myeloid leukemia. Review status: no classification provided. Collection method: in vitro. Allele origin: not applicable. Functional consequence: retained intron. Not counted in ClinVar's aggregate classification.

Dr. Peter K. Rogan Lab, Western University
No classification provided (evidence only). Condition: Acute myeloid leukemia. Review status: no classification provided. Collection method: in vitro. Allele origin: not applicable. Functional consequence: retained intron. Not counted in ClinVar's aggregate classification.

Dr. Peter K. Rogan Lab, Western University
No classification provided (evidence only). Condition: Acute myeloid leukemia. Review status: no classification provided. Collection method: in vitro. Allele origin: not applicable. Functional consequence: retained intron. Not counted in ClinVar's aggregate classification.

Dr. Peter K. Rogan Lab, Western University
No classification provided (evidence only). Condition: Acute myeloid leukemia. Review status: no classification provided. Collection method: in vitro. Allele origin: not applicable. Functional consequence: retained intron. Not counted in ClinVar's aggregate classification.

Dr. Peter K. Rogan Lab, Western University
No classification provided (evidence only). Condition: Colon adenocarcinoma. Review status: no classification provided. Collection method: in vitro. Allele origin: not applicable. Functional consequence: retained intron. Not counted in ClinVar's aggregate classification.

Dr. Peter K. Rogan Lab, Western University
No classification provided (evidence only). Condition: Thyroid cancer, nonmedullary, 1. Review status: no classification provided. Collection method: in vitro. Allele origin: not applicable. Functional consequence: retained intron. Not counted in ClinVar's aggregate classification.

Dr. Peter K. Rogan Lab, Western University
No classification provided (evidence only). Condition: Thyroid cancer, nonmedullary, 1. Review status: no classification provided. Collection method: in vitro. Allele origin: not applicable. Functional consequence: retained intron. Not counted in ClinVar's aggregate classification.

Dr. Peter K. Rogan Lab, Western University
No classification provided (evidence only). Condition: Cervical cancer. Review status: no classification provided. Collection method: in vitro. Allele origin: not applicable. Functional consequence: retained intron. Not counted in ClinVar's aggregate classification.

Dr. Peter K. Rogan Lab, Western University
No classification provided (evidence only). Condition: Hepatocellular carcinoma. Review status: no classification provided. Collection method: in vitro. Allele origin: not applicable. Functional consequence: retained intron. Not counted in ClinVar's aggregate classification.

Dr. Peter K. Rogan Lab, Western University
No classification provided (evidence only). Condition: Nonpapillary renal cell carcinoma. Review status: no classification provided. Collection method: in vitro. Allele origin: not applicable. Functional consequence: retained intron. Not counted in ClinVar's aggregate classification.

Dr. Peter K. Rogan Lab, Western University
No classification provided (evidence only). Condition: Thymoma. Review status: no classification provided. Collection method: in vitro. Allele origin: not applicable. Functional consequence: retained intron. Not counted in ClinVar's aggregate classification.

Dr. Peter K. Rogan Lab, Western University
No classification provided (evidence only). Condition: Uterine carcinosarcoma. Review status: no classification provided. Collection method: in vitro. Allele origin: not applicable. Functional consequence: retained intron. Not counted in ClinVar's aggregate classification.

Literature cited by the submitters: PubMed 16648375 (cited by Athena Diagnostics).

NM_152564.5(VPS13B):c.10065G>T (p.Ala3355=)

Gene: VPS13B (vacuolar protein sorting 13 homolog B; plus strand). Cytogenetic location: 8q22.2.
Variant type: single nucleotide variant.
Coding change: c.10065G>T on transcript NM_152564.5 (MANE Select); coding-DNA position 10065, G replaced by T.
Protein change: p.Ala3355=; no amino-acid change (alanine 3355 retained).
Molecular consequence: synonymous variant.
Genome position (GRCh38, 1-based): chr8:99,853,454, G>T. VCF-style: chr8-99853454-G-T. GRCh37 (hg19) VCF-style: chr8-100865682-G-T.
Other names: p.Ala3380=; c.10140G>T, p.Ala3380= (NM_017890.5).
Identifiers: ClinVar variation 459245 (VCV000459245.27), dbSNP rs61753726, ClinGen allele CA4824880.